The following is an entry in ClinVar:

ClinVar aggregate classification (germline): Uncertain significance (1 of 4 stars; one submission).

Conditions:
Developmental delay with variable neurologic and brain abnormalities (MLHNS). Also called: MALHOTRA NEURODEVELOPMENTAL SYNDROME. Identifiers: MedGen C5562060, MONDO:0859218, OMIM 619694.

Submission:

OLLIN Analises Genomicas, OLLIN
Classification: Uncertain significance for Developmental delay with variable neurologic and brain abnormalities. Last evaluated: 2026-08-06. Review status: criteria provided, single submitter. Criteria: ACMG Guidelines 2015 PMID 25741868. Collection method: clinical testing. Allele origin: germline.
Comment: This missense variant, located in exon 16 (of 18), has been observed in gnomAD with an allele frequency of 0.000062%, but has not been reported in ClinVar or identified in the literature. In silico analysis predicts that this variant has a tolerated effect. According to the currently available evidence, this variant has been classified as uncertain significance (BP4_M).

NM_001007527.2(LMBRD2):c.1894C>A (p.Arg632Ser)

Gene: LMBRD2 (LMBR1 domain containing 2; minus strand). Cytogenetic location: 5p13.2.
Variant type: single nucleotide variant.
Coding change: c.1894C>A on transcript NM_001007527.2 (MANE Select); coding-DNA position 1894, C replaced by A.
Protein change: p.Arg632Ser; replaces arginine 632 with serine.
Molecular consequence: missense variant.
Genome position (GRCh38, 1-based): chr5:36,108,537, G>T on the plus strand (C>A on the coding strand, the complement: LMBRD2 is on the minus strand). VCF-style: chr5-36108537-G-T. GRCh37 (hg19) VCF-style: chr5-36108639-G-T.
Other names: short protein forms R632S.
Identifiers: ClinVar variation 5002932 (VCV005002932.1).